The following is an entry in ClinVar:

NM_000059.4(BRCA2):c.5633_5665del (p.Asn1878_Lys1888del)

Gene: BRCA2 (BRCA2 DNA repair associated; plus strand). Cytogenetic location: 13q13.1.
Variant type: Deletion.
Coding change: c.5633_5665del on transcript NM_000059.4 (MANE Select); coding-DNA positions 5633 to 5665, 33 bases deleted.
Protein change: p.Asn1878_Lys1888del.
Molecular consequence: inframe deletion.
Genome position (GRCh38, 1-based): chr13:32,339,988-32,340,020, 33 bases deleted; deleting any 33 consecutive bases within chr13:32,339,987-32,340,020 gives the same sequence; the c. name uses the placement nearest the transcript's 3' end. GRCh37 (hg19): chr13:32,914,125-32,914,157.
Identifiers: ClinVar variation 1316504 (VCV001316504.2), dbSNP rs2137519358, ClinGen allele CA2573053815.

ClinVar aggregate classification (germline): Uncertain significance (1 of 4 stars; one submission).

Submission:

GeneDx
Classification: Uncertain significance. Last evaluated: 2019-11-14. Review status: criteria provided, single submitter. Criteria: GeneDx Variant Classification Process June 2021. Collection method: clinical testing. Allele origin: germline. Affected: yes.
Comment: In-frame deletion of 11 amino acids in a non-repeat region; Has not been previously published as pathogenic or benign to our knowledge; In silico analysis, which includes protein predictors and evolutionary conservation, supports a deleterious effect; Not observed in large population cohorts (Lek 2016)